The following is an entry in ClinVar:

NM_004369.4(COL6A3):c.9061_9063del (p.Asp3021del)

Gene: COL6A3 (collagen type VI alpha 3 chain; minus strand). Cytogenetic location: 2q37.3.
Variant type: Deletion.
Coding change: c.9061_9063del on transcript NM_004369.4 (MANE Select); coding-DNA positions 9061 to 9063, 3 bases deleted (GAC; older notation c.9061_9063delGAC).
Protein change: p.Asp3021del; deletes aspartic acid 3021.
Molecular consequence: inframe deletion.
Genome position (GRCh38, 1-based): chr2:237,334,792-237,334,794, GTC deleted on the plus strand (GAC on the coding strand, the reverse complement: COL6A3 is on the minus strand). VCF-style (leftmost placement, unchanged base first): chr2-237334791-GGTC-G. GRCh37 (hg19) VCF-style: chr2-238243434-GGTC-G.
Other names: c.7240_7242del, p.Asp2414del (NM_057166.5); c.8443_8445del, p.Asp2815del (NM_057167.4); c.9061_9063delGAC (NM_004369.3); short protein forms D3021del, D2414del, D2815del.
Identifiers: ClinVar variation 582929 (VCV000582929.12), dbSNP rs756150789, ClinGen allele CA2187367.

ClinVar aggregate classification (germline): Uncertain significance. Review status: criteria provided, single submitter (1 of 4 stars). 2 submissions from 2 submitters: Uncertain significance (1). 1 of the submissions does not count toward it. Last evaluated 2022-08-09.

Conditions:
Bethlem myopathy 1A. Also called: Bethlem myopathy 1; MYOPATHY, BENIGN CONGENITAL, WITH CONTRACTURES; Bethlem Muscular Dystrophy. Identifiers: Orphanet 610, MedGen CN029274, MONDO:0024530, OMIM 158810.
Tip-toe gait. Also called: Toe walking. Identifiers: MedGen C0427144, HP:0030051.

Allele frequency attached by ClinVar (database versions not stated): gnomAD exomes below 0.00001; ExAC 0.00001.

Submissions (2):

Labcorp Genetics (formerly Invitae), Labcorp
Classification: Uncertain significance for Bethlem myopathy 1A. Last evaluated: 2022-08-09. Review status: criteria provided, single submitter. Criteria: Invitae Variant Classification Sherloc (09022015). Collection method: clinical testing. Allele origin: germline.
Comment: In summary, the available evidence is currently insufficient to determine the role of this variant in disease. Therefore, it has been classified as a Variant of Uncertain Significance. Experimental studies and prediction algorithms are not available or were not evaluated, and the functional significance of this variant is currently unknown. ClinVar contains an entry for this variant (Variation ID: 582929). This variant has not been reported in the literature in individuals affected with COL6A3-related conditions. This variant is present in population databases (rs756150789, gnomAD 0.0009%). This variant, c.9061_9063del, results in the deletion of 1 amino acid(s) of the COL6A3 protein (p.Asp3021del), but otherwise preserves the integrity of the reading frame.

Practice for Gait Abnormalities, David Pomarino, Competency Network Toe Walking C/o Practice Pomarino
Classification: Likely benign for Tip-toe gait. Last evaluated: 2021-11-11. Review status: no assertion criteria provided. Collection method: clinical testing. Allele origin: germline. Affected: yes. Not counted in ClinVar's aggregate classification.
Comment: Myopathy refers to diseases that affect skeletal Muscles. These diseases attack muscle fibers, making muscles weak. Inherited myopathies are often caused by inheriting an abnormal gene mutation from a parent that causes the disease. Symptoms of congenital myopathies usually start at birth or in early childhood, but may not appear until the teen years or even later in adulthood. Congenital myopathies are somewhat unique compared with other inherited myopathies, as weakness typically affects all muscles and is often not progressive. Symptoms are: Muscle weakness, most commonly of upper arms and shoulders and thighs, muscle cramps, stiffness and spasms, fatigue with exertion and lack of energy. Our patients all walk on tiptoe, so they show similar symptoms. When we genetically test them with our toe walking panel, we find that around 90 per cent of them have a genetic variant that explains their toe walking. These can be assigned, for example, to the area of myopathies (such as variants of the COL6A3 gene), the area of hereditary neuropathies (such as variants of the KMT2C gene) or the area of metabolic diseases (such as variants of the PYGM gene). In a smaller group of patients with almost identical symptoms, no abnormality is found in the genes of our panel, but spastic paraplegia can be detected. In another small group of our toe walkers, no abnormalities can be detected in the genes analysed in our toe walking panel, nor do they suffer from spastic paraplegia, as is also the case with healthy children. In contrast to these, however, they show a tiptoe gait. These patients suffer from infantile cerebral palsy, in which toe walking can also be observed.

Literature cited by the submitters: PubMed 37091313 (cited by Practice for Gait Abnormalities, David Pomarino, Competency Network Toe Walking C/o Practice Pomarino).